The following is an entry in ClinVar:

ClinVar aggregate classification (germline): Uncertain significance (1 of 4 stars; one submission).

Submission:

Labcorp Genetics (formerly Invitae), Labcorp
Classification: Uncertain significance. Last evaluated: 2024-12-23. Review status: criteria provided, single submitter. Criteria: Invitae Variant Classification Sherloc (09022015). Collection method: clinical testing. Allele origin: germline.
Comment: This sequence change replaces tyrosine, which is neutral and polar, with cysteine, which is neutral and slightly polar, at codon 379 of the FLI1 protein (p.Tyr379Cys). This variant is not present in population databases (gnomAD no frequency). This variant has not been reported in the literature in individuals affected with FLI1-related conditions. Invitae Evidence Modeling of protein sequence and biophysical properties (such as structural, functional, and spatial information, amino acid conservation, physicochemical variation, residue mobility, and thermodynamic stability) indicates that this missense variant is not expected to disrupt FLI1 protein function with a negative predictive value of 80%. In summary, the available evidence is currently insufficient to determine the role of this variant in disease. Therefore, it has been classified as a Variant of Uncertain Significance.

NM_002017.5(FLI1):c.1136A>G (p.Tyr379Cys)

Gene: FLI1 (Fli-1 proto-oncogene, ETS transcription factor; plus strand). Cytogenetic location: 11q24.3.
Variant type: single nucleotide variant.
Coding change: c.1136A>G on transcript NM_002017.5 (MANE Select); coding-DNA position 1136, A replaced by G.
Protein change: p.Tyr379Cys; replaces tyrosine 379 with cysteine.
Molecular consequence: missense variant.
Genome position (GRCh38, 1-based): chr11:128,810,765, A>G. VCF-style: chr11-128810765-A-G. GRCh37 (hg19) VCF-style: chr11-128680660-A-G.
Other names: c.1037A>G, p.Tyr346Cys (NM_001167681.3); c.938A>G, p.Tyr313Cys (NM_001271010.2); c.557A>G, p.Tyr186Cys (NM_001271012.2); short protein forms Y313C, Y379C, Y186C, Y346C.
Identifiers: ClinVar variation 3704470 (VCV003704470.2).